The following is an entry in ClinVar:

ClinVar aggregate classification (germline): Uncertain significance. Review status: criteria provided, multiple submitters, no conflicts (2 of 4 stars). 2 submissions from 2 submitters: Uncertain significance (2). Last evaluated 2025-02-26.

Conditions:
Inborn genetic diseases. Identifiers: MedGen C0950123, MeSH D030342.
Drash syndrome (DDS). Also called: WILMS TUMOR AND PSEUDO- OR TRUE HERMAPHRODITISM; NEPHROPATHY, WILMS TUMOR, AND GENITAL ANOMALIES. Identifiers: Orphanet 220, MedGen C0950121, MONDO:0008682, OMIM 194080.
Frasier syndrome. Identifiers: Orphanet 347, MedGen C0950122, MeSH D052159, MONDO:0007635, OMIM 136680.
Wilms tumor 1 (WT1). Also called: Wilms tumor, somatic. Identifiers: Orphanet 654, MedGen CN033288, MONDO:0008679, OMIM 194070.
11p partial monosomy syndrome (WAGR). Also called: WAGR syndrome; CHROMOSOME 11p13 DELETION SYNDROME; WAGR Complex; WAGR Spectrum Disorder. Identifiers: Orphanet 893, MedGen C0206115, MONDO:0008681, OMIM 194072.

Allele frequency attached by ClinVar (database versions not stated): gnomAD exomes below 0.00001.
gnomAD v4.1: 1 of 1,614,228 alleles (0.000062%); highest among the groups gnomAD compares: Non-Finnish European, 0.000085%; no homozygotes.

Submissions (2):

Labcorp Genetics (formerly Invitae), Labcorp
Classification: Uncertain significance for Wilms tumor 1; Drash syndrome; 11p partial monosomy syndrome; Frasier syndrome. Last evaluated: 2025-02-26. Review status: criteria provided, single submitter. Criteria: Invitae Variant Classification Sherloc (09022015). Collection method: clinical testing. Allele origin: germline.
Comment: This sequence change replaces alanine, which is neutral and non-polar, with proline, which is neutral and non-polar, at codon 516 of the WT1 protein (p.Ala516Pro). This variant is not present in population databases (gnomAD no frequency). This variant has not been reported in the literature in individuals affected with WT1-related conditions. ClinVar contains an entry for this variant (Variation ID: 952350). Invitae Evidence Modeling of protein sequence and biophysical properties (such as structural, functional, and spatial information, amino acid conservation, physicochemical variation, residue mobility, and thermodynamic stability) indicates that this missense variant is not expected to disrupt WT1 protein function with a negative predictive value of 95%. In summary, the available evidence is currently insufficient to determine the role of this variant in disease. Therefore, it has been classified as a Variant of Uncertain Significance.

Ambry Genetics
Classification: Uncertain significance for Inborn genetic diseases. Last evaluated: 2024-12-13. Review status: criteria provided, single submitter. Criteria: Ambry Variant Classification Scheme 2023. Collection method: clinical testing. Allele origin: germline.
Comment: The p.A516P variant (also known as c.1546G>C), located in coding exon 10 of the WT1 gene, results from a G to C substitution at nucleotide position 1546. The alanine at codon 516 is replaced by proline, an amino acid with highly similar properties. This amino acid position is conserved. In addition, this alteration is predicted to be tolerated by in silico analysis. Based on the available evidence, the clinical significance of this variant remains unclear.

NM_024426.6(WT1):c.1561G>C (p.Ala521Pro)

Gene: WT1 (WT1 transcription factor; minus strand). Cytogenetic location: 11p13.
Variant type: single nucleotide variant.
Coding change: c.1561G>C on transcript NM_024426.6 (MANE Select); coding-DNA position 1561, G replaced by C.
Protein change: p.Ala521Pro; replaces alanine 521 with proline.
Molecular consequence: missense variant. On other transcripts: non-coding transcript variant (1).
Genome position (GRCh38, 1-based): chr11:32,389,066, C>G on the plus strand (G>C on the coding strand, the complement: WT1 is on the minus strand). VCF-style: chr11-32389066-C-G. GRCh37 (hg19) VCF-style: chr11-32410612-C-G.
Other names: c.1501G>C, p.Ala501Pro (NM_000378.6); c.901G>C, p.Ala301Pro (NM_001198551.2); c.859G>C, p.Ala287Pro (NM_001198552.2); c.373G>C, p.Ala125Pro (NM_001367854.1); c.1546G>C, p.Ala516Pro (NM_001407044.1); c.1510G>C, p.Ala504Pro (NM_001407045.1); c.1468G>C, p.Ala490Pro (NM_001407046.1); c.1429G>C, p.Ala477Pro (NM_001407047.1); and 6 more; short protein forms A125P, A301P, A287P, A501P, A518P, A521P, A473P, A490P.
Identifiers: ClinVar variation 952350 (VCV000952350.12), dbSNP rs1851742668, ClinGen allele CA379957451.